The following is an entry in ClinVar:

NM_005996.4(TBX3):c.1940C>A (p.Ala647Glu)

Gene: TBX3 (T-box transcription factor 3; minus strand). Cytogenetic location: 12q24.21.
Variant type: single nucleotide variant.
Coding change: c.1940C>A on transcript NM_005996.4 (MANE Select); coding-DNA position 1940, C replaced by A.
Protein change: p.Ala647Glu; replaces alanine 647 with glutamic acid.
Molecular consequence: missense variant.
Genome position (GRCh38, 1-based): chr12:114,672,073, G>T on the plus strand (C>A on the coding strand, the complement: TBX3 is on the minus strand). VCF-style: chr12-114672073-G-T. GRCh37 (hg19) VCF-style: chr12-115109878-G-T.
Other names: c.2000C>A, p.Ala667Glu (NM_016569.4); short protein forms A667E, A647E.
Identifiers: ClinVar variation 2870300 (VCV002870300.3), dbSNP rs748098418, ClinGen allele CA6809819.
Genomic context (GRCh38, chr12:114,672,073, plus strand): 5'-TCCACTGCCACCGAGGCCGGGCTGGCGGCCAGGGCGGCGACTTTGCCGTCCAGGGGCCCC[G>T]CGGCCGCCGCCATGGAGGGCAGGGCGGTGGTGAGCAGACTGCTGCCGTCCGGGACCGGCA-3'
Protein context (NP_005987.3, residues 637-657): TTALPSMAAA[Ala647Glu]GPLDGKVAAL

ClinVar aggregate classification (germline): Uncertain significance (1 of 4 stars; one submission).

Conditions:
Ulnar-mammary syndrome (UMS). Also called: Ulnar-mammary syndrome of Pallister; SCHINZEL SYNDROME; PALLISTER ULNAR-MAMMARY SYNDROME. Identifiers: Orphanet 3138, MedGen C1866994, MONDO:0008411, OMIM 181450.

Submission:

Labcorp Genetics (formerly Invitae), Labcorp
Classification: Uncertain significance for Ulnar-mammary syndrome. Last evaluated: 2023-09-11. Review status: criteria provided, single submitter. Criteria: Invitae Variant Classification Sherloc (09022015). Collection method: clinical testing. Allele origin: germline.
Comment: In summary, the available evidence is currently insufficient to determine the role of this variant in disease. Therefore, it has been classified as a Variant of Uncertain Significance. An algorithm developed to predict the effect of missense changes on protein structure and function (PolyPhen-2) suggests that this variant is likely to be tolerated. This variant has not been reported in the literature in individuals affected with TBX3-related conditions. The frequency data for this variant in the population databases is considered unreliable, as metrics indicate poor data quality at this position in the gnomAD database. This sequence change replaces alanine, which is neutral and non-polar, with glutamic acid, which is acidic and polar, at codon 647 of the TBX3 protein (p.Ala647Glu).